The following is an entry in ClinVar:

NM_006059.4(LAMC3):c.4147A>T (p.Met1383Leu)

Gene: LAMC3 (laminin subunit gamma 3; plus strand). Cytogenetic location: 9q34.12.
Variant type: single nucleotide variant.
Coding change: c.4147A>T on transcript NM_006059.4 (MANE Select); coding-DNA position 4147, A replaced by T.
Protein change: p.Met1383Leu; replaces methionine 1383 with leucine.
Molecular consequence: missense variant.
Genome position (GRCh38, 1-based): chr9:131,085,640, A>T. VCF-style: chr9-131085640-A-T. GRCh37 (hg19) VCF-style: chr9-133961027-A-T.
Other names: c.4147A>T (NM_006059.3); short protein forms M1383L.
Identifiers: ClinVar variation 2419494 (VCV002419494.6), dbSNP rs747902679, ClinGen allele CA5288061.

ClinVar aggregate classification (germline): Uncertain significance. Review status: criteria provided, multiple submitters, no conflicts (2 of 4 stars). 3 submissions from 3 submitters: Uncertain significance (3). Last evaluated 2025-08-24.

Conditions:
Inborn genetic diseases. Identifiers: MedGen C0950123, MeSH D030342.

Allele frequency attached by ClinVar (database versions not stated): gnomAD exomes 0.00002; ExAC 0.00004; gnomAD 0.00007; TOPMed 0.00007.

Submissions (3):

Ambry Genetics
Classification: Uncertain significance for Inborn genetic diseases. Last evaluated: 2025-08-24. Review status: criteria provided, single submitter. Criteria: Ambry Variant Classification Scheme 2023. Collection method: clinical testing. Allele origin: germline.

GeneDx
Classification: Uncertain significance. Last evaluated: 2024-10-30. Review status: criteria provided, single submitter. Criteria: GeneDx Variant Classification Process June 2021. Collection method: clinical testing. Allele origin: germline. Affected: yes.
Comment: Not observed at significant frequency in large population cohorts (gnomAD); In silico analysis indicates that this missense variant does not alter protein structure/function; Has not been previously published as pathogenic or benign to our knowledge

Labcorp Genetics (formerly Invitae), Labcorp
Classification: Uncertain significance. Last evaluated: 2022-09-19. Review status: criteria provided, single submitter. Criteria: Invitae Variant Classification Sherloc (09022015). Collection method: clinical testing. Allele origin: germline.
Comment: This sequence change replaces methionine, which is neutral and non-polar, with leucine, which is neutral and non-polar, at codon 1383 of the LAMC3 protein (p.Met1383Leu). This variant is present in population databases (rs747902679, gnomAD 0.005%). This variant has not been reported in the literature in individuals affected with LAMC3-related conditions. Algorithms developed to predict the effect of missense changes on protein structure and function are either unavailable or do not agree on the potential impact of this missense change (SIFT: "Tolerated"; PolyPhen-2: "Possibly Damaging"; Align-GVGD: "Class C0"). In summary, the available evidence is currently insufficient to determine the role of this variant in disease. Therefore, it has been classified as a Variant of Uncertain Significance.